The following is an entry in ClinVar:

ClinVar aggregate classification (germline): Likely benign. Review status: criteria provided, multiple submitters, no conflicts (2 of 4 stars). 3 submissions from 3 submitters: Likely benign (2). 1 of the submissions does not count toward it. Last evaluated 2026-02-04.

Conditions:
CFTR-related disorder (CFTR-RD). Also called: CFTR-related condition; CFTR-related disorders. Identifiers: MedGen C5924204, MONDO:7770004.
Cystic fibrosis (CF). Also called: MUCOVISCIDOSIS. Identifiers: Orphanet 586, MedGen C0010674, MONDO:0009061, OMIM 219700. Disease mechanism: loss of function.

Submissions (3):

Labcorp Genetics (formerly Invitae), Labcorp
Classification: Likely benign for Cystic fibrosis. Last evaluated: 2026-02-04. Review status: criteria provided, single submitter. Criteria: Invitae Variant Classification Sherloc (09022015). Collection method: clinical testing. Allele origin: germline.

Blueprint Genetics
Classification: Likely benign. Last evaluated: 2024-10-10. Review status: criteria provided, single submitter. Criteria: ACMG Guidelines, 2015. Collection method: clinical testing. Allele origin: germline.

PreventionGenetics, part of Exact Sciences
Classification: Likely benign for CFTR-related condition. Last evaluated: 2021-11-12. Review status: no assertion criteria provided. Collection method: clinical testing. Allele origin: germline. Not counted in ClinVar's aggregate classification.
Comment: This variant is classified as likely benign based on ACMG/AMP sequence variant interpretation guidelines (Richards et al. 2015 PMID: 25741868, with internal and published modifications).

NM_000492.4(CFTR):c.1210-14_1210-13insTT

Genes: CFTR (CF transmembrane conductance regulator; plus strand), CFTR-AS1 (CFTR antisense RNA 1; minus strand). Cytogenetic location: 7q31.2.
Variant type: Insertion.
Coding change: c.1210-14_1210-13insTT on transcript NM_000492.4 (MANE Select); 14 bases into the intron before coding-DNA position 1210 through 13 bases into the intron before coding-DNA position 1210, TT inserted.
Molecular consequence: intron variant.
Genome position: GRCh38 VCF-style: chr7-117548626-G-GTT. GRCh37 (hg19) VCF-style: chr7-117188680-G-GTT.
Other names: c.1210-14_1210-13insTT (NM_000492.3).
Identifiers: ClinVar variation 2019590 (VCV002019590.7), dbSNP rs775751830, ClinGen allele CA4450943.